The following is an entry in ClinVar:

ClinVar aggregate classification (germline): Uncertain significance (1 of 4 stars; one submission).

Conditions:
Cortical dysplasia, complex, with other brain malformations 10. Identifiers: MedGen C5231458, MONDO:0032866, OMIM 618677.

Submission:

Neuberg Centre For Genomic Medicine, NCGM
Classification: Uncertain significance for Cortical dysplasia, complex, with other brain malformations 10. Last evaluated: 2023-06-22. Review status: criteria provided, single submitter. Criteria: ACMG Guidelines, 2015. Collection method: clinical testing. Allele origin: germline. Inheritance: Autosomal recessive inheritance. Affected: yes.
Comment: The missense c.5765A>T(p.Lys1922Met) variant in APC2 gene has not been reported previously as a pathogenic variant nor as a benign variant, to our knowledge. The p.Lys1922Met variant is present with allele frequency of 0.0009% in gnomAD Exomes. This variant has not been submitted to the ClinVar database. Multiple lines of computational evidences (Polyphen - Probably damaging, SIFT - Tolerated and MutationTaster - Disease causing) predict conflicting evidence on protein structure and function for this variant. The reference amino acid at this position on APC2 gene is predicted as conserved by GERP++ and PhyloP across 100 vertebrates. The amino acid Lys at position 1922 is changed to a Met changing protein sequence and it might alter its composition and physico-chemical properties. For these reasons, this variant has been classified as a Variant of Uncertain Significance (VUS).

NM_005883.3(APC2):c.5765A>T (p.Lys1922Met)

Genes: APC2 (APC regulator of WNT signaling pathway 2; plus strand), LOC130062956 (ATAC-STARR-seq lymphoblastoid silent region 9718; plus strand). Cytogenetic location: 19p13.3.
Variant type: single nucleotide variant.
Coding change: c.5765A>T on transcript NM_005883.3 (MANE Select); coding-DNA position 5765, A replaced by T.
Protein change: p.Lys1922Met; replaces lysine 1922 with methionine.
Molecular consequence: missense variant.
Genome position (GRCh38, 1-based): chr19:1,469,066, A>T. VCF-style: chr19-1469066-A-T. GRCh37 (hg19) VCF-style: chr19-1469065-A-T.
Other names: c.5762A>T, p.Lys1921Met (NM_001351273.1); short protein forms K1921M, K1922M.
Identifiers: ClinVar variation 3731351 (VCV003731351.1).